The following is an entry in ClinVar:

ClinVar aggregate classification (germline): Uncertain significance (1 of 4 stars; one submission).

Allele frequency attached by ClinVar (database versions not stated): gnomAD exomes below 0.00001.
gnomAD v4.1: 1 of 1,614,178 alleles (0.000062%); highest among the groups gnomAD compares: African/African-American, 0.0013%; no homozygotes.

Submission:

Labcorp Genetics (formerly Invitae), Labcorp
Classification: Uncertain significance. Last evaluated: 2022-03-13. Review status: criteria provided, single submitter. Criteria: Invitae Variant Classification Sherloc (09022015). Collection method: clinical testing. Allele origin: germline.
Comment: In summary, the available evidence is currently insufficient to determine the role of this variant in disease. Therefore, it has been classified as a Variant of Uncertain Significance. Algorithms developed to predict the effect of missense changes on protein structure and function (SIFT, PolyPhen-2, Align-GVGD) all suggest that this variant is likely to be tolerated. This variant has not been reported in the literature in individuals affected with MTHFD1-related conditions. This variant is not present in population databases (gnomAD no frequency). This sequence change replaces glutamine, which is neutral and polar, with lysine, which is basic and polar, at codon 285 of the MTHFD1 protein (p.Gln285Lys).

NM_005956.4(MTHFD1):c.853C>A (p.Gln285Lys)

Gene: MTHFD1 (methylenetetrahydrofolate dehydrogenase, cyclohydrolase and formyltetrahydrofolate synthetase 1; plus strand). Cytogenetic location: 14q23.3.
Variant type: single nucleotide variant.
Coding change: c.853C>A on transcript NM_005956.4 (MANE Select); coding-DNA position 853, C replaced by A.
Protein change: p.Gln285Lys; replaces glutamine 285 with lysine.
Molecular consequence: missense variant.
Genome position (GRCh38, 1-based): chr14:64,424,929, C>A. VCF-style: chr14-64424929-C-A. GRCh37 (hg19) VCF-style: chr14-64891647-C-A.
Other names: c.853C>A, p.Gln285Lys (NM_001364837.1); short protein forms Q285K.
Identifiers: ClinVar variation 2111007 (VCV002111007.4), dbSNP rs2550500785, ClinGen allele CA389984320.
Genomic context (GRCh38, chr14:64,424,929, plus strand): 5'-GCGAGCTTCATCACTCCTGTTCCTGGCGGCGTAGGGCCCATGACAGTTGCAATGCTCATG[C>A]AGGTAATTGTGAATAAAAGTTTCTATAAGAGTTCTGAAAAGCTGATCGAGTTTTGGCTGC-3'
Protein context (NP_005947.3, residues 275-295): VGPMTVAMLM[Gln285Lys]STVESAKRFL